The following is an entry in ClinVar:

ClinVar aggregate classification (germline): Uncertain significance (1 of 4 stars; one submission).

Allele frequency attached by ClinVar (database versions not stated): ExAC 0.00001.
gnomAD v4.1: 5 of 1,613,780 alleles (0.00031%); highest among the groups gnomAD compares: Admixed American, 0.005%; no homozygotes.

Submission:

Labcorp Genetics (formerly Invitae), Labcorp
Classification: Uncertain significance. Last evaluated: 2022-02-02. Review status: criteria provided, single submitter. Criteria: Invitae Variant Classification Sherloc (09022015). Collection method: clinical testing. Allele origin: germline.
Comment: In summary, the available evidence is currently insufficient to determine the role of this variant in disease. Therefore, it has been classified as a Variant of Uncertain Significance. Algorithms developed to predict the effect of missense changes on protein structure and function output the following: SIFT: "Not Available"; PolyPhen-2: "Benign"; Align-GVGD: "Not Available". The glutamine amino acid residue is found in multiple mammalian species, which suggests that this missense change does not adversely affect protein function. This variant has not been reported in the literature in individuals affected with EGF-related conditions. This variant is present in population databases (rs750786419, gnomAD 0.006%). This sequence change replaces proline, which is neutral and non-polar, with glutamine, which is neutral and polar, at codon 1128 of the EGF protein (p.Pro1128Gln).

NM_001963.6(EGF):c.3383C>A (p.Pro1128Gln)

Gene: EGF (epidermal growth factor; plus strand). Cytogenetic location: 4q25.
Variant type: single nucleotide variant.
Coding change: c.3383C>A on transcript NM_001963.6 (MANE Select); coding-DNA position 3383, C replaced by A.
Protein change: p.Pro1128Gln; replaces proline 1128 with glutamine.
Molecular consequence: missense variant.
Genome position (GRCh38, 1-based): chr4:110,011,214, C>A. VCF-style: chr4-110011214-C-A. GRCh37 (hg19) VCF-style: chr4-110932370-C-A.
Other names: c.3260C>A, p.Pro1087Gln (NM_001178130.3); c.3257C>A, p.Pro1086Gln (NM_001178131.3); c.2935C>A, p.Gln979Lys (NM_001357021.2); short protein forms Q979K, P1086Q, P1087Q, P1128Q.
Identifiers: ClinVar variation 1946398 (VCV001946398.5), dbSNP rs750786419, ClinGen allele CA3044274.